The following is an entry in ClinVar:

ClinVar aggregate classification (germline): Likely benign (1 of 4 stars; one submission).

Allele frequency attached by ClinVar (database versions not stated): gnomAD 0.00007; TOPMed 0.00007; ExAC 0.00011; gnomAD exomes 0.00011; ESP Exome Variant Server 0.00015; 1000 Genomes Project 0.00020; 1000 Genomes Project 30x 0.00047.
gnomAD v4.1: 161 of 1,614,114 alleles (0.01%); highest among the groups gnomAD compares: Non-Finnish European, 0.013%; no homozygotes.

Submission:

CeGaT Center for Human Genetics Tuebingen
Classification: Likely benign. Last evaluated: 2023-05-01. Review status: criteria provided, single submitter. Criteria: CeGaT Center For Human Genetics Tuebingen Variant Classification Criteria Version 2. Collection method: clinical testing. Allele origin: germline. Affected: yes. Observed: 1 variant allele.
Comment: ZNF655: BP4, BP7

NM_138494.3(ZNF655):c.798A>G (p.Lys266=)

Gene: ZNF655 (zinc finger protein 655; plus strand). Cytogenetic location: 7q22.1.
Variant type: single nucleotide variant.
Coding change: c.798A>G on transcript NM_138494.3 (MANE Select); coding-DNA position 798, A replaced by G.
Protein change: p.Lys266=; no amino-acid change (lysine 266 retained).
Molecular consequence: synonymous variant.
Genome position (GRCh38, 1-based): chr7:99,572,906, A>G. VCF-style: chr7-99572906-A-G. GRCh37 (hg19) VCF-style: chr7-99170529-A-G.
Other names: c.798A>G, p.Lys266= (NM_001009960.1, NM_001363334.1); c.903A>G, p.Lys301= (NM_001083956.2, NM_001085368.1, NM_001363332.1 and 1 more transcripts).
Identifiers: ClinVar variation 2657723 (VCV002657723.24), dbSNP rs372852114, ClinGen allele CA4367710.